The following is an entry in ClinVar:

NM_173628.4(DNAH17):c.5376C>T (p.Asp1792=)

Genes: DNAH17 (dynein axonemal heavy chain 17; minus strand), DNAH17-AS1 (DNAH17 antisense RNA 1; plus strand). Cytogenetic location: 17q25.3.
Variant type: single nucleotide variant.
Coding change: c.5376C>T on transcript NM_173628.4 (MANE Select); coding-DNA position 5376, C replaced by T.
Protein change: p.Asp1792=; no amino-acid change (aspartic acid 1792 retained).
Molecular consequence: synonymous variant. On other transcripts: non-coding transcript variant (1).
Genome position (GRCh38, 1-based): chr17:78,501,291, G>A on the plus strand (C>T on the coding strand, the complement: DNAH17 is on the minus strand). VCF-style: chr17-78501291-G-A. GRCh37 (hg19) VCF-style: chr17-76497373-G-A.
Identifiers: ClinVar variation 3049210 (VCV003049210.3), dbSNP rs370004719, ClinGen allele CA8803283.
Genomic context (GRCh38, chr17:78,501,291, plus strand): 5'-CTCATAGGAATACTGGATTTGGGCATCGCAGATGTTGGCAAAGCAGTGTCGCTTCTCTTC[G>A]TCCCAGCGATGCCGGAGCTGGGCCTGCCAGGTGAAGGCCTGAGAACTCTCCACCTGCAGG-3'
Protein context (NP_775899.3, residues 1782-1802): TWQAQLRHRW[Asp1792=]EEKRHCFANI

ClinVar aggregate classification (germline): Likely benign. Review status: criteria provided, single submitter (1 of 4 stars). 2 submissions from 2 submitters: Likely benign (1). 1 of the submissions does not count toward it. Last evaluated 2024-08-08.

Conditions:
DNAH17-related disorder. Also called: DNAH17-related condition.

Allele frequency attached by ClinVar (database versions not stated): ExAC 0.00047; gnomAD 0.00050; TOPMed 0.00063; ESP Exome Variant Server 0.00070; gnomAD exomes 0.00089.
gnomAD v4.1: 1,377 of 1,606,744 alleles (0.086%); highest among the groups gnomAD compares: Non-Finnish European, 0.11%; no homozygotes.

Submissions (2):

Blueprint Genetics
Classification: Likely benign. Last evaluated: 2024-08-08. Review status: criteria provided, single submitter. Criteria: ACMG Guidelines, 2015. Collection method: clinical testing. Allele origin: germline.

PreventionGenetics, part of Exact Sciences
Classification: Likely benign for DNAH17-related condition. Last evaluated: 2019-12-18. Review status: no assertion criteria provided. Collection method: clinical testing. Allele origin: germline. Not counted in ClinVar's aggregate classification.
Comment: This variant is classified as likely benign based on ACMG/AMP sequence variant interpretation guidelines (Richards et al. 2015 PMID: 25741868, with internal and published modifications).